The following is an entry in ClinVar:

ClinVar aggregate classification (germline): Pathogenic (1 of 4 stars; one submission).

Submission:

Quest Diagnostics Nichols Institute San Juan Capistrano
Classification: Pathogenic. Last evaluated: 2024-01-19. Review status: criteria provided, single submitter. Criteria: ACMG/ClinGen CNV Guidelines, 2019. Collection method: clinical testing. Allele origin: unknown.
Comment: This copy number loss represents the recurrent 16p13.11 BP2-BP3 deletion region (ISCA-37415), containing the proposed critical genes NDE1 (OMIM 609449) and MYH11 (OMIM 160745) (Granata 2022, Heinzen 2010, Nagamani 2011, Ullmann 2007). Inheritance from an unaffected or mildly affected parent has been reported. This copy number variant (CNV) is classified as pathogenic. References: Granata et al., Front Genet. 2022 Mar 15;13:798607. PMID: 35368691; Heinzen et al., Am J Hum Genet. 2010 May 14;86(5):707-18. PMID: 20398883; Nagamani et al., Eur J Hum Genet. 2011 Mar;19(3):280-6. PMID: 21150890; Ullmann et al., Hum Mutat. 2007 Jul;28(7):674-82. PMID: 17480036

GRCh37/hg19 16p13.11-12.3(chr16:15316618-18181971)x1

Genes: ABCC1 (ATP binding cassette subfamily C member 1 (ABCC1 blood group); plus strand), ABCC6 (ATP binding cassette subfamily C member 6; minus strand), BMERB1 (bMERB domain containing 1; plus strand), CEP20 (centrosomal protein 20; minus strand), MARF1 (meiosis regulator and mRNA stability factor 1; minus strand) and 6 more. Cytogenetic location: 16p13.11-12.3.
Variant type: copy number loss.
Change: copy number 1 (one copy instead of two) of chr16:15,316,618-18,181,971 (2.87 Mb, GRCh37 coordinates, 1-based), cytogenetic band 16p13.11-12.3.
Identifiers: ClinVar variation 564283 (VCV000564283.2).